The following is an entry in ClinVar:

NM_000539.3(RHO):c.974A>C (p.Lys325Thr)

Gene: RHO (rhodopsin; plus strand). Cytogenetic location: 3q22.1.
Variant type: single nucleotide variant.
Coding change: c.974A>C on transcript NM_000539.3 (MANE Select); coding-DNA position 974, A replaced by C.
Protein change: p.Lys325Thr; replaces lysine 325 with threonine.
Molecular consequence: missense variant.
Genome position (GRCh38, 1-based): chr3:129,533,645, A>C. VCF-style: chr3-129533645-A-C. GRCh37 (hg19) VCF-style: chr3-129252488-A-C.
Other names: short protein forms K325T.
Identifiers: ClinVar variation 1390400 (VCV001390400.6), dbSNP rs2108750763, ClinGen allele CA354471148.

ClinVar aggregate classification (germline): Uncertain significance (1 of 4 stars; one submission).

Submission:

Labcorp Genetics (formerly Invitae), Labcorp
Classification: Uncertain significance. Last evaluated: 2021-10-31. Review status: criteria provided, single submitter. Criteria: Invitae Variant Classification Sherloc (09022015). Collection method: clinical testing. Allele origin: germline.
Comment: In summary, the available evidence is currently insufficient to determine the role of this variant in disease. Therefore, it has been classified as a Variant of Uncertain Significance. Algorithms developed to predict the effect of missense changes on protein structure and function are either unavailable or do not agree on the potential impact of this missense change (SIFT: "Deleterious"; PolyPhen-2: "Benign"; Align-GVGD: "Class C65"). This variant has not been reported in the literature in individuals affected with RHO-related conditions. This variant is not present in population databases (gnomAD no frequency). This sequence change replaces lysine, which is basic and polar, with threonine, which is neutral and polar, at codon 325 of the RHO protein (p.Lys325Thr).